The following is an entry in ClinVar:

NM_000069.3(CACNA1S):c.2571C>T (p.Phe857=)

Gene: CACNA1S (calcium voltage-gated channel subunit alpha1 S; minus strand). Cytogenetic location: 1q32.1.
Variant type: single nucleotide variant.
Coding change: c.2571C>T on transcript NM_000069.3 (MANE Select); coding-DNA position 2571, C replaced by T.
Protein change: p.Phe857=; no amino-acid change (phenylalanine 857 retained).
Molecular consequence: synonymous variant.
Genome position (GRCh38, 1-based): chr1:201,066,973, G>A on the plus strand (C>T on the coding strand, the complement: CACNA1S is on the minus strand). VCF-style: chr1-201066973-G-A. GRCh37 (hg19) VCF-style: chr1-201036101-G-A.
Identifiers: ClinVar variation 1105377 (VCV001105377.11), dbSNP rs764738319, ClinGen allele CA079084.

ClinVar aggregate classification (germline): Likely benign. Review status: criteria provided, multiple submitters, no conflicts (2 of 4 stars). 3 submissions from 3 submitters: Likely benign (3). Last evaluated 2024-02-05.

Conditions:
Malignant hyperthermia, susceptibility to, 5 (MHS5). Also called: CACNA1S-Related Malignant Hyperthermia Susceptibility. Identifiers: Orphanet 423, MedGen C1866077, MONDO:0011163, OMIM 601887.
Hypokalemic periodic paralysis, type 1. Also called: Hypokalemic Periodic Paralysis Type 1 (AD); HypoPP. Identifiers: Orphanet 681, MedGen C3714580, MONDO:0042979, OMIM 170400.

Allele frequency attached by ClinVar (database versions not stated): ExAC 0.00001; gnomAD 0.00001; gnomAD exomes 0.00001; TOPMed 0.00002.
gnomAD v4.1: 9 of 1,613,918 alleles (0.00056%); highest among the groups gnomAD compares: Admixed American, 0.0033%; no homozygotes.

Submissions (3):

All of Us Research Program, National Institutes of Health
Classification: Likely benign for Malignant hyperthermia, susceptibility to, 5. Last evaluated: 2024-02-05. Review status: criteria provided, single submitter. Criteria: ACMG Guidelines, 2015. Collection method: clinical testing. Allele origin: germline. Inheritance: Autosomal dominant inheritance. Observed: 1 variant allele, 1 heterozygote.
Comment: This study involves interpretation of variants in research participants for the purpose of population health screening. Participant phenotype was not available at the time of variant classification. Additional details can be found in publication PMID: 35346344, PMCID: PMC8962531

Color Diagnostics, LLC DBA Color Health
Classification: Likely benign for Malignant hyperthermia, susceptibility to, 5. Last evaluated: 2024-01-30. Review status: criteria provided, single submitter. Criteria: ACMG Guidelines, 2015. Collection method: clinical testing. Allele origin: germline.

Labcorp Genetics (formerly Invitae), Labcorp
Classification: Likely benign for Hypokalemic periodic paralysis, type 1; Malignant hyperthermia, susceptibility to, 5. Last evaluated: 2024-01-04. Review status: criteria provided, single submitter. Criteria: Invitae Variant Classification Sherloc (09022015). Collection method: clinical testing. Allele origin: germline.